The following is an entry in ClinVar:

NM_138295.5(PKD1L1):c.6990C>A (p.Gly2330=)

Genes: PKD1L1 (polycystin 1 like 1, transient receptor potential channel interacting; minus strand), PKD1L1-AS1 (PKD1L1 antisense RNA 1; plus strand). Cytogenetic location: 7p12.3.
Variant type: single nucleotide variant.
Coding change: c.6990C>A on transcript NM_138295.5 (MANE Select); coding-DNA position 6990, C replaced by A.
Protein change: p.Gly2330=; no amino-acid change (glycine 2330 retained).
Molecular consequence: synonymous variant.
Genome position (GRCh38, 1-based): chr7:47,815,433, G>T on the plus strand (C>A on the coding strand, the complement: PKD1L1 is on the minus strand). VCF-style: chr7-47815433-G-T. GRCh37 (hg19) VCF-style: chr7-47855031-G-T.
Identifiers: ClinVar variation 4979728 (VCV004979728.1).
Genomic context (GRCh38, chr7:47,815,433, plus strand): 5'-GTACAGGCCATCCAGAAGTGTGGTCAGACTCCAGTCCCACCAGTCAGCGATGTTTCTCAG[G>T]CCACCCAAGCAGTTTCTGGCATTTCTTAATGCAAGAACAAAAATAAAAAGTTGCTTCTGC-3'
Protein context (NP_612152.1, residues 2320-2340): FTRNARNCLG[Gly2330=]LRNIADWWDW

ClinVar aggregate classification (germline): Likely benign (1 of 4 stars; one submission).

Conditions:
PKD1L1-related disorder. Also called: PKD1L1-related condition.

gnomAD v4.1: 17 of 1,613,876 alleles (0.0011%); highest among the groups gnomAD compares: Admixed American, 0.005%; no homozygotes.

Submission:

PreventionGenetics, part of Exact Sciences
Classification: Likely benign for PKD1L1-related condition. Last evaluated: 2026-06-11. Review status: criteria provided, single submitter. Criteria: ACMG Guidelines, 2015. Collection method: clinical testing. Allele origin: germline.
Comment: This variant is classified as likely benign based on ACMG/AMP sequence variant interpretation guidelines (Richards et al. 2015 PMID: 25741868, with internal and published modifications).